The following is an entry in ClinVar:

NM_014927.5(CNKSR2):c.2825G>T (p.Arg942Ile)

Gene: CNKSR2 (connector enhancer of kinase suppressor of Ras 2; plus strand). Cytogenetic location: Xp22.12.
Variant type: single nucleotide variant.
Coding change: c.2825G>T on transcript NM_014927.5 (MANE Select); coding-DNA position 2825, G replaced by T.
Protein change: p.Arg942Ile; replaces arginine 942 with isoleucine.
Molecular consequence: missense variant.
Genome position (GRCh38, 1-based): chrX:21,648,963, G>T. VCF-style: chrX-21648963-G-T. GRCh37 (hg19) VCF-style: chrX-21667081-G-T.
Other names: c.2735G>T, p.Arg912Ile (NM_001168647.3); c.2678G>T, p.Arg893Ile (NM_001330770.2); c.2588G>T, p.Arg863Ile (NM_001330772.2); short protein forms R863I, R893I, R912I, R942I.
Identifiers: ClinVar variation 5017360 (VCV005017360.1).

ClinVar aggregate classification (germline): Uncertain significance (1 of 4 stars; one submission).

Submission:

GeneDx
Classification: Uncertain significance. Last evaluated: 2026-03-23. Review status: criteria provided, single submitter. Criteria: GeneDx Variant Classification Process June 2021. Collection method: clinical testing. Allele origin: germline.
Comment: Not observed at significant frequency in large population cohorts (gnomAD); In silico analysis supports that this missense variant has a deleterious effect on protein structure/function; Has not been previously published as pathogenic or benign to our knowledge